The following is an entry in ClinVar:

ClinVar aggregate classification (germline): Conflicting classifications of pathogenicity. Review status: criteria provided, conflicting classifications (1 of 4 stars). 4 submissions from 4 submitters: Uncertain significance (2); Likely benign (2). Last evaluated 2026-09-01.

Conditions:
Renal dysplasia, cystic, susceptibility to. Identifiers: MedGen C3275898, MONDO:0011037, OMIM 601331.
BICC1-related disorder. Also called: BICC1-related condition.

Allele frequency attached by ClinVar (database versions not stated): TOPMed 0.00003; gnomAD 0.00005; gnomAD exomes 0.00005; ExAC 0.00012; 1000 Genomes Project 30x 0.00047; 1000 Genomes Project 0.00060.
gnomAD v4.1: 88 of 1,613,902 alleles (0.0055%); highest among the groups gnomAD compares: South Asian, 0.079%; no homozygotes.

Submissions (4):

CeGaT Center for Human Genetics Tuebingen
Classification: Likely benign. Last evaluated: 2026-09-01. Review status: criteria provided, single submitter. Criteria: CeGaT Center For Human Genetics Tuebingen Variant Classification Criteria Version 2. Collection method: clinical testing. Allele origin: germline. Affected: yes. Observed: 1 variant allele.
Comment: BICC1: BP4

PreventionGenetics, part of Exact Sciences
Classification: Likely benign for BICC1-related condition. Last evaluated: 2025-09-23. Review status: criteria provided, single submitter. Criteria: ACMG Guidelines, 2015. Collection method: clinical testing. Allele origin: germline.
Comment: This variant is classified as likely benign based on ACMG/AMP sequence variant interpretation guidelines (Richards et al. 2015 PMID: 25741868, with internal and published modifications).

Labcorp Genetics (formerly Invitae), Labcorp
Classification: Uncertain significance. Last evaluated: 2025-03-06. Review status: criteria provided, single submitter. Criteria: Invitae Variant Classification Sherloc (09022015). Collection method: clinical testing. Allele origin: germline.
Comment: This sequence change replaces isoleucine, which is neutral and non-polar, with valine, which is neutral and non-polar, at codon 384 of the BICC1 protein (p.Ile384Val). This variant is present in population databases (rs565241242, gnomAD 0.07%), and has an allele count higher than expected for a pathogenic variant. This variant has not been reported in the literature in individuals affected with BICC1-related conditions. ClinVar contains an entry for this variant (Variation ID: 2176158). An algorithm developed to predict the effect of missense changes on protein structure and function (PolyPhen-2) suggests that this variant is likely to be tolerated. In summary, the available evidence is currently insufficient to determine the role of this variant in disease. Therefore, it has been classified as a Variant of Uncertain Significance.

Fulgent Genetics
Classification: Uncertain significance for Renal dysplasia, cystic, susceptibility to. Last evaluated: 2024-05-23. Review status: criteria provided, single submitter. Criteria: ACMG Guidelines, 2015. Collection method: clinical testing. Allele origin: germline.

NM_001080512.3(BICC1):c.1150A>G (p.Ile384Val)

Gene: BICC1 (BicC family RNA binding protein 1; plus strand). Cytogenetic location: 10q21.1.
Variant type: single nucleotide variant.
Coding change: c.1150A>G on transcript NM_001080512.3 (MANE Select); coding-DNA position 1150, A replaced by G.
Protein change: p.Ile384Val; replaces isoleucine 384 with valine.
Molecular consequence: missense variant.
Genome position (GRCh38, 1-based): chr10:58,793,586, A>G. VCF-style: chr10-58793586-A-G. GRCh37 (hg19) VCF-style: chr10-60553346-A-G.
Other names: c.1150A>G (NM_001080512.2); short protein forms I384V.
Identifiers: ClinVar variation 2176158 (VCV002176158.7), dbSNP rs565241242, ClinGen allele CA5508409.
Genomic context (GRCh38, chr10:58,793,586, plus strand): 5'-ATTGAAGTAGATCCACAATTCATTGCGCAGTTGATGGAACAGCTTGATGTCTTCATCAGT[A>G]TTAAACCAAAGCCCAAACAGCCAAGCAAGGTTGGTTCAGAGTCTGAATCCAGAGAATTAT-3'
Protein context (NP_001073981.1, residues 374-394): LMEQLDVFIS[Ile384Val]KPKPKQPSKS